The following is an entry in ClinVar:

ClinVar aggregate classification (germline): Uncertain significance (1 of 4 stars; one submission).

Conditions:
Early Myoclonic Encephalopathy. Identifiers: MedGen C0270855.

gnomAD v4.1: 1 of 1,614,040 alleles (0.000062%); highest among the groups gnomAD compares: South Asian, 0.0011%; no homozygotes.

Submission:

Labcorp Genetics (formerly Invitae), Labcorp
Classification: Uncertain significance for Early Myoclonic Encephalopathy. Last evaluated: 2025-09-23. Review status: criteria provided, single submitter. Criteria: Invitae Variant Classification Sherloc (09022015). Collection method: clinical testing. Allele origin: germline.
Comment: This sequence change replaces isoleucine, which is neutral and non-polar, with valine, which is neutral and non-polar, at codon 95 of the KCND2 protein (p.Ile95Val). This variant is not present in population databases (gnomAD no frequency). This variant has not been reported in the literature in individuals affected with KCND2-related conditions. Invitae Evidence Modeling of protein sequence and biophysical properties (such as structural, functional, and spatial information, amino acid conservation, physicochemical variation, residue mobility, and thermodynamic stability) indicates that this missense variant is not expected to disrupt KCND2 protein function with a negative predictive value of 95%. In summary, the available evidence is currently insufficient to determine the role of this variant in disease. Therefore, it has been classified as a Variant of Uncertain Significance.

NM_012281.3(KCND2):c.283A>G (p.Ile95Val)

Gene: KCND2 (potassium voltage-gated channel subfamily D member 2; plus strand). Cytogenetic location: 7q31.31.
Variant type: single nucleotide variant.
Coding change: c.283A>G on transcript NM_012281.3 (MANE Select); coding-DNA position 283, A replaced by G.
Protein change: p.Ile95Val; replaces isoleucine 95 with valine.
Molecular consequence: missense variant.
Genome position (GRCh38, 1-based): chr7:120,274,915, A>G. VCF-style: chr7-120274915-A-G. GRCh37 (hg19) VCF-style: chr7-119914969-A-G.
Other names: short protein forms I95V.
Identifiers: ClinVar variation 4781900 (VCV004781900.1).
Genomic context (GRCh38, chr7:120,274,915, plus strand): 5'-TTCTACCACCCAGAAACTCAGCAGTATTTCTTTGACCGTGACCCAGACATCTTCCGCCAC[A>G]TCCTGAATTTCTACCGCACTGGGAAGCTCCACTATCCTCGCCACGAGTGCATCTCTGCTT-3'
Protein context (NP_036413.1, residues 85-105): FDRDPDIFRH[Ile95Val]LNFYRTGKLH